The following is an entry in ClinVar:

ClinVar aggregate classification (germline): Conflicting classifications of pathogenicity. Review status: criteria provided, conflicting classifications (1 of 4 stars). 5 submissions from 5 submitters: Uncertain significance (4); Likely benign (1). Last evaluated 2025-10-29.

Conditions:
Hereditary breast ovarian cancer syndrome. Also called: Hereditary breast and ovarian cancer syndrome (HBOC); BRCA1- and BRCA2-Associated Hereditary Breast and Ovarian Cancer; Hereditary breast and/or ovarian cancer syndrome; Hereditary breast and ovarian cancer syndrome; Hereditary breast and ovarian cancer; Breast and ovarian cancer. Identifiers: Orphanet 145, MedGen C0677776, MeSH D061325, MONDO:0003582. Disease mechanism: loss of function.
BRCA1-related cancer predisposition. Identifiers: MedGen CN377757, MONDO:0700268.
Hereditary cancer-predisposing syndrome. Also called: Neoplastic Syndromes, Hereditary; Hereditary neoplastic syndrome; Tumor predisposition; Hereditary Cancer Syndrome. Identifiers: Orphanet 140162, MedGen C0027672, MeSH D009386, MONDO:0015356.
Breast-ovarian cancer, familial, susceptibility to, 1 (BROVCA1). Also called: BRCA1 Hereditary Breast and Ovarian Cancer; OVARIAN CANCER, SUSCEPTIBILITY TO. Identifiers: Orphanet 145, MedGen C2676676, MONDO:0011450, OMIM 604370. Disease mechanism: loss of function.

Allele frequency attached by ClinVar (database versions not stated): gnomAD exomes below 0.00001 and 0.00001.

Submissions (5):

Ambry Genetics
Classification: Uncertain significance for Hereditary cancer-predisposing syndrome. Last evaluated: 2025-10-29. Review status: criteria provided, single submitter. Criteria: Ambry Variant Classification Scheme 2023. Collection method: clinical testing. Allele origin: germline.
Comment: The p.S140N variant (also known as c.419G>A), located in coding exon 5 of the BRCA1 gene, results from a G to A substitution at nucleotide position 419. The serine at codon 140 is replaced by asparagine, an amino acid with highly similar properties. This amino acid position is not well conserved in available vertebrate species. In addition, the in silico prediction for this alteration is inconclusive. Since supporting evidence is limited at this time, the clinical significance of this alteration remains unclear.

Myriad Genetics, Inc.
Classification: Likely benign for Breast-ovarian cancer, familial, susceptibility to, 1. Last evaluated: 2025-05-22. Review status: criteria provided, single submitter. Criteria: Myriad Autosomal Dominant, Autosomal Recessive and X-Linked Classification Criteria (2023). Collection method: clinical testing. Allele origin: unknown.
Comment: This variant is considered likely benign. Homozygosity has been confirmed in one or more individuals. As homozygosity for pathogenic variants in this gene is generally assumed to result in embryonic lethality, this variant is unlikely to be pathogenic.

Labcorp Genetics (formerly Invitae), Labcorp
Classification: Uncertain significance for Hereditary breast ovarian cancer syndrome. Last evaluated: 2024-12-12. Review status: criteria provided, single submitter. Criteria: Invitae Variant Classification Sherloc (09022015). Collection method: clinical testing. Allele origin: germline.
Comment: This sequence change replaces serine, which is neutral and polar, with asparagine, which is neutral and polar, at codon 140 of the BRCA1 protein (p.Ser140Asn). This variant is present in population databases (no rsID available, gnomAD 0.003%). This variant has not been reported in the literature in individuals affected with BRCA1-related conditions. ClinVar contains an entry for this variant (Variation ID: 418067). Invitae Evidence Modeling of protein sequence and biophysical properties (such as structural, functional, and spatial information, amino acid conservation, physicochemical variation, residue mobility, and thermodynamic stability) indicates that this missense variant is not expected to disrupt BRCA1 protein function with a negative predictive value of 80%. In summary, the available evidence is currently insufficient to determine the role of this variant in disease. Therefore, it has been classified as a Variant of Uncertain Significance.

All of Us Research Program, National Institutes of Health
Classification: Uncertain significance for BRCA1-related cancer predisposition. Last evaluated: 2024-04-16. Review status: criteria provided, single submitter. Criteria: ACMG Guidelines, 2015. Collection method: clinical testing. Allele origin: germline. Inheritance: Autosomal dominant inheritance. Observed: 1 variant allele, 1 heterozygote.
Comment: This missense variant replaces serine with asparagine at codon 140 of the BRCA1 protein. Computational prediction is inconclusive regarding the impact of this variant on protein structure and function. To our knowledge, functional studies have not been reported for this variant. This variant has not been reported in individuals affected with BRCA1-related disorders in the literature. This variant has been identified in 1/250808 chromosomes in the general population by the Genome Aggregation Database (gnomAD). The available evidence is insufficient to determine the role of this variant in disease conclusively. Therefore, this variant is classified as a Variant of Uncertain Significance.

This study involves interpretation of variants in research participants for the purpose of population health screening. Participant phenotype was not available at the time of variant classification. Additional details can be found in publication PMID: 35346344, PMCID: PMC8962531

GeneDx
Classification: Uncertain significance. Last evaluated: 2015-02-27. Review status: criteria provided, single submitter. Criteria: GeneDx Variant Classification (06012015). Collection method: clinical testing. Allele origin: germline. Affected: yes.
Comment: This variant is denoted BRCA1 c.419G>A at the cDNA level, p.Ser140Asn (S140N) at the protein level, and results in the change of a Serine to an Asparagine (AGT>AAT). Using alternate nomenclature, this variant would be defined as BRCA1 538G>A. This variant has not, to our knowledge, been published in the literature as pathogenic or benign. BRCA1 Ser140Asn was not observed in approximately 6,500 individuals of European and African American ancestry in the NHLBI Exome Sequencing Project, indicating it is not a common benign variant in these populations. Since Serine and Asparagine share similar properties, this is considered a conservative amino acid substitution. BRCA1 Ser140Asn occurs at a position that is poorly conserved across species and is not located in a known functional domain (UniProt). In silico analyses predict that this variant is unlikely to alter protein structure or function. Based on currently available information, it is unclear whether BRCA1 Ser140Asn is pathogenic or benign. We consider it to be a variant of uncertain significance.

NM_007294.4(BRCA1):c.419G>A (p.Ser140Asn)

Gene: BRCA1 (BRCA1 DNA repair associated; minus strand). Cytogenetic location: 17q21.31.
Variant type: single nucleotide variant.
Coding change: c.419G>A on transcript NM_007294.4 (MANE Select); coding-DNA position 419, G replaced by A.
Protein change: p.Ser140Asn; replaces serine 140 with asparagine.
Molecular consequence: missense variant. On other transcripts: non-coding transcript variant (1).
Genome position (GRCh38, 1-based): chr17:43,104,144, C>T on the plus strand (G>A on the coding strand, the complement: BRCA1 is on the minus strand). VCF-style: chr17-43104144-C-T. GRCh37 (hg19) VCF-style: chr17-41256161-C-T.
Other names: c.209G>A, p.Ser70Asn (NM_001407571.1, NM_001407853.1, NM_001407879.1 and 58 more transcripts); c.419G>A, p.Ser140Asn (NM_001407581.1, NM_001407582.1, NM_001407583.1 and 165 more transcripts); c.410G>A, p.Ser137Asn (NM_001407646.1, NM_001407647.1, NM_001408408.1); c.341G>A, p.Ser114Asn (NM_001407653.1, NM_001407654.1, NM_001407655.1 and 21 more transcripts); c.278G>A, p.Ser93Asn (NM_001407692.1, NM_001407694.1, NM_001407695.1 and 99 more transcripts); c.38G>A, p.Ser13Asn (NM_001407959.1, NM_001407960.1, NM_001407962.1 and 4 more transcripts); c.287G>A, p.Ser96Asn (NM_001408451.1); short protein forms S140N, S93N, S114N, S137N, S70N, S96N, S13N.
Identifiers: ClinVar variation 418067 (VCV000418067.14), dbSNP rs1064793055, ClinGen allele CA10601309.